The following is an entry in ClinVar:

NM_014140.4(SMARCAL1):c.2644A>G (p.Ile882Val)

Gene: SMARCAL1 (SNF2 related chromatin remodeling annealing helicase 1; plus strand). Cytogenetic location: 2q35.
Variant type: single nucleotide variant.
Coding change: c.2644A>G on transcript NM_014140.4 (MANE Select); coding-DNA position 2644, A replaced by G.
Protein change: p.Ile882Val; replaces isoleucine 882 with valine.
Molecular consequence: missense variant.
Genome position (GRCh38, 1-based): chr2:216,482,756, A>G. VCF-style: chr2-216482756-A-G. GRCh37 (hg19) VCF-style: chr2-217347479-A-G.
Other names: c.2644A>G, p.Ile882Val (NM_001127207.2); short protein forms I882V.
Identifiers: ClinVar variation 1409776 (VCV001409776.9), dbSNP rs752187073, ClinGen allele CA2098276.

ClinVar aggregate classification (germline): Uncertain significance. Review status: criteria provided, multiple submitters, no conflicts (2 of 4 stars). 2 submissions from 2 submitters: Uncertain significance (2). Last evaluated 2025-03-31.

Conditions:
Schimke immuno-osseous dysplasia (SIOD). Also called: Schimke Immunoosseous Dysplasia. Identifiers: Orphanet 1830, MedGen C0877024, MONDO:0009458, OMIM 242900.

Allele frequency attached by ClinVar (database versions not stated): gnomAD exomes below 0.00001; ExAC 0.00001; gnomAD 0.00001; TOPMed 0.00001.
gnomAD v4.1: 2 of 1,614,068 alleles (0.00012%); highest among the groups gnomAD compares: Non-Finnish European, 0.00017%; no homozygotes.

Submissions (2):

Labcorp Genetics (formerly Invitae), Labcorp
Classification: Uncertain significance for Schimke immuno-osseous dysplasia. Last evaluated: 2025-03-31. Review status: criteria provided, single submitter. Criteria: Invitae Variant Classification Sherloc (09022015). Collection method: clinical testing. Allele origin: germline.
Comment: This sequence change replaces isoleucine, which is neutral and non-polar, with valine, which is neutral and non-polar, at codon 882 of the SMARCAL1 protein (p.Ile882Val). This variant is not present in population databases (gnomAD no frequency). This variant has not been reported in the literature in individuals affected with SMARCAL1-related conditions. ClinVar contains an entry for this variant (Variation ID: 1409776). Invitae Evidence Modeling of protein sequence and biophysical properties (such as structural, functional, and spatial information, amino acid conservation, physicochemical variation, residue mobility, and thermodynamic stability) has been performed for this missense variant. However, the output from this modeling did not meet the statistical confidence thresholds required to predict the impact of this variant on SMARCAL1 protein function. In summary, the available evidence is currently insufficient to determine the role of this variant in disease. Therefore, it has been classified as a Variant of Uncertain Significance.

Fulgent Genetics
Classification: Uncertain significance for Schimke immuno-osseous dysplasia. Last evaluated: 2024-02-09. Review status: criteria provided, single submitter. Criteria: ACMG Guidelines, 2015. Collection method: clinical testing. Allele origin: germline.